The following is an entry in ClinVar:

ClinVar aggregate classification (germline): Likely pathogenic (1 of 4 stars; one submission).

gnomAD v4.1: 2 of 1,574,974 alleles (0.00013%); no homozygotes.

Submission:

Labcorp Genetics (formerly Invitae), Labcorp
Classification: Likely pathogenic. Last evaluated: 2023-05-22. Review status: criteria provided, single submitter. Criteria: Invitae Variant Classification Sherloc (09022015). Collection method: clinical testing. Allele origin: germline.
Comment: In summary, the currently available evidence indicates that the variant is pathogenic, but additional data are needed to prove that conclusively. Therefore, this variant has been classified as Likely Pathogenic. An algorithm developed to predict the effect of missense changes on protein structure and function (PolyPhen-2) suggests that this variant is likely to be disruptive. ClinVar contains an entry for this variant (Variation ID: 1469112). This missense change has been observed in individual(s) with clinical features of oculocutaneous albinism (PMID: 7874125; Invitae). In at least one individual the data is consistent with being in trans (on the opposite chromosome) from a pathogenic variant. This variant is not present in population databases (gnomAD no frequency). This sequence change replaces methionine, which is neutral and non-polar, with leucine, which is neutral and non-polar, at codon 395 of the OCA2 protein (p.Met395Leu).

Literature cited by the submitters: PubMed 7874125.

NM_000275.3(OCA2):c.1183A>T (p.Met395Leu)

Gene: OCA2 (OCA2 melanosomal transmembrane protein; minus strand). Cytogenetic location: 15q13.1.
Variant type: single nucleotide variant.
Coding change: c.1183A>T on transcript NM_000275.3 (MANE Select); coding-DNA position 1183, A replaced by T.
Protein change: p.Met395Leu; replaces methionine 395 with leucine.
Molecular consequence: missense variant.
Genome position (GRCh38, 1-based): chr15:27,986,643, T>A on the plus strand (A>T on the coding strand, the complement: OCA2 is on the minus strand). VCF-style: chr15-27986643-T-A. GRCh37 (hg19) VCF-style: chr15-28231789-T-A.
Other names: c.1111A>T, p.Met371Leu (NM_001300984.2); short protein forms M371L, M395L.
Identifiers: ClinVar variation 1469112 (VCV001469112.6), dbSNP rs757286784, ClinGen allele CA391361003.